The following is an entry in ClinVar:

ClinVar aggregate classification (germline): Uncertain significance (1 of 4 stars; one submission).

Conditions:
Ataxia-telangiectasia syndrome (AT). Also called: Ataxia-telangiectasia, complementation group D; AT, COMPLEMENTATION GROUP C; Ataxia-telangiectasia; Ataxia telangiectasia (A-T); LOUIS-BAR SYNDROME; Cerebello-oculocutaneous telangiectasia. Identifiers: Orphanet 100, MedGen C0004135, MONDO:0008840, OMIM 208900.

gnomAD v4.1: 1 of 1,613,678 alleles (0.000062%); highest among the groups gnomAD compares: South Asian, 0.0011%; no homozygotes.

Submission:

Labcorp Genetics (formerly Invitae), Labcorp
Classification: Uncertain significance for Ataxia-telangiectasia syndrome. Last evaluated: 2026-01-14. Review status: criteria provided, single submitter. Criteria: Invitae Variant Classification Sherloc (09022015). Collection method: clinical testing. Allele origin: germline.
Comment: This sequence change replaces phenylalanine, which is neutral and non-polar, with isoleucine, which is neutral and non-polar, at codon 1463 of the ATM protein (p.Phe1463Ile). This variant is present in population databases (rs549106928, gnomAD 0.003%). This variant has not been reported in the literature in individuals affected with ATM-related conditions. Invitae Evidence Modeling of protein sequence and biophysical properties (such as structural, functional, and spatial information, amino acid conservation, physicochemical variation, residue mobility, and thermodynamic stability) has been performed for this missense variant. However, the output from this modeling did not meet the statistical confidence thresholds required to predict the impact of this variant on ATM protein function. In summary, the available evidence is currently insufficient to determine the role of this variant in disease. Therefore, it has been classified as a Variant of Uncertain Significance.

NM_000051.4(ATM):c.4387T>A (p.Phe1463Ile)

Gene: ATM (ATM serine/threonine kinase; plus strand). Cytogenetic location: 11q22.3.
Variant type: single nucleotide variant.
Coding change: c.4387T>A on transcript NM_000051.4 (MANE Select); coding-DNA position 4387, T replaced by A.
Protein change: p.Phe1463Ile; replaces phenylalanine 1463 with isoleucine.
Molecular consequence: missense variant.
Genome position (GRCh38, 1-based): chr11:108,289,752, T>A. VCF-style: chr11-108289752-T-A. GRCh37 (hg19) VCF-style: chr11-108160479-T-A.
Other names: c.4387T>A, p.Phe1463Ile (NM_001351834.2); short protein forms F1463I.
Identifiers: ClinVar variation 4747214 (VCV004747214.1).